The following is an entry in ClinVar:

ClinVar aggregate classification (germline): Uncertain significance. Review status: criteria provided, multiple submitters, no conflicts (2 of 4 stars). 3 submissions from 3 submitters: Uncertain significance (3). Last evaluated 2025-10-01.

Conditions:
Cardiovascular phenotype. Identifiers: MedGen CN230736.
RASopathy. Also called: Noonan spectrum disorder; rasopathies. Identifiers: Orphanet 536391, MedGen C5555857, MONDO:0021060.

gnomAD v4.1: 16 of 1,613,608 alleles (0.00099%); highest among the groups gnomAD compares: Non-Finnish European, 0.0014%; no homozygotes.

Submissions (3):

GeneDx
Classification: Uncertain significance. Last evaluated: 2025-10-01. Review status: criteria provided, single submitter. Criteria: GeneDx Variant Classification Process June 2021. Collection method: clinical testing. Allele origin: germline.
Comment: Not observed at significant frequency in large population cohorts (gnomAD); In silico analysis suggests that this missense variant does not alter protein structure/function; Has not been previously published as pathogenic or benign to our knowledge; This variant is associated with the following publications: (PMID: 29493581)

Ambry Genetics
Classification: Uncertain significance for Cardiovascular phenotype. Last evaluated: 2025-09-17. Review status: criteria provided, single submitter. Criteria: Ambry Variant Classification Scheme 2023. Collection method: clinical testing. Allele origin: germline.
Comment: The p.D210N variant (also known as c.628G>A), located in coding exon 1 of the SHOC2 gene, results from a G to A substitution at nucleotide position 628. The aspartic acid at codon 210 is replaced by asparagine, an amino acid with highly similar properties. This amino acid position is conserved. In addition, this alteration is predicted to be tolerated by in silico analysis. Based on the available evidence, the clinical significance of this variant remains unclear.

Labcorp Genetics (formerly Invitae), Labcorp
Classification: Uncertain significance for RASopathy. Last evaluated: 2025-01-16. Review status: criteria provided, single submitter. Criteria: Invitae Variant Classification Sherloc (09022015). Collection method: clinical testing. Allele origin: germline.
Comment: This sequence change replaces aspartic acid, which is acidic and polar, with asparagine, which is neutral and polar, at codon 210 of the SHOC2 protein (p.Asp210Asn). This variant is present in population databases (rs200222772, gnomAD 0.0009%). This variant has not been reported in the literature in individuals affected with SHOC2-related conditions. Invitae Evidence Modeling of protein sequence and biophysical properties (such as structural, functional, and spatial information, amino acid conservation, physicochemical variation, residue mobility, and thermodynamic stability) indicates that this missense variant is not expected to disrupt SHOC2 protein function with a negative predictive value of 80%. In summary, the available evidence is currently insufficient to determine the role of this variant in disease. Therefore, it has been classified as a Variant of Uncertain Significance.

NM_007373.4(SHOC2):c.628G>A (p.Asp210Asn)

Gene: SHOC2 (SHOC2 leucine rich repeat scaffold protein; plus strand). Cytogenetic location: 10q25.2.
Variant type: single nucleotide variant.
Coding change: c.628G>A on transcript NM_007373.4 (MANE Select); coding-DNA position 628, G replaced by A.
Protein change: p.Asp210Asn; replaces aspartic acid 210 with asparagine.
Molecular consequence: missense variant.
Genome position (GRCh38, 1-based): chr10:110,964,986, G>A. VCF-style: chr10-110964986-G-A. GRCh37 (hg19) VCF-style: chr10-112724744-G-A.
Other names: c.628G>A, p.Asp210Asn (NM_001269039.3, NM_001324336.2, NM_001324337.2); short protein forms D210N.
Identifiers: ClinVar variation 3340670 (VCV003340670.5).
Genomic context (GRCh38, chr10:110,964,986, plus strand): 5'-AGGCTGGATTCTCTCACCACTCTTTACCTTCGCTTTAATCGTATAACTACTGTGGAAAAG[G>A]ACATCAAAAACTTGTCAAAACTCAGCATGCTTAGCATTCGAGAGAACAAAATTAAACAAC-3'
Protein context (NP_031399.2, residues 200-220): RFNRITTVEK[Asp210Asn]IKNLSKLSML